The following is an entry in ClinVar:

ClinVar aggregate classification (germline): Uncertain significance. Review status: criteria provided, multiple submitters, no conflicts (2 of 4 stars). 2 submissions from 2 submitters: Uncertain significance (2). Last evaluated 2023-06-15.

Allele frequency attached by ClinVar (database versions not stated): gnomAD exomes 0.00001.
gnomAD v4.1: 5 of 1,211,572 alleles (0.00041%); highest among the groups gnomAD compares: Non-Finnish European, 0.00056%; no homozygotes.

Submissions (2):

Labcorp Genetics (formerly Invitae), Labcorp
Classification: Uncertain significance. Last evaluated: 2023-06-15. Review status: criteria provided, single submitter. Criteria: Invitae Variant Classification Sherloc (09022015). Collection method: clinical testing. Allele origin: germline.
Comment: This sequence change replaces glutamine, which is neutral and polar, with glutamic acid, which is acidic and polar, at codon 753 of the NEXMIF protein (p.Gln753Glu). In summary, the available evidence is currently insufficient to determine the role of this variant in disease. Therefore, it has been classified as a Variant of Uncertain Significance. An algorithm developed to predict the effect of missense changes on protein structure and function (PolyPhen-2) suggests that this variant is likely to be tolerated. ClinVar contains an entry for this variant (Variation ID: 1706191). This variant has not been reported in the literature in individuals affected with NEXMIF-related conditions. This variant is present in population databases (rs760516537, gnomAD 0.001%).

GeneDx
Classification: Uncertain significance. Last evaluated: 2022-03-15. Review status: criteria provided, single submitter. Criteria: GeneDx Variant Classification Process June 2021. Collection method: clinical testing. Allele origin: germline. Affected: yes.
Comment: In silico analysis supports that this missense variant does not alter protein structure/function; Has not been previously published as pathogenic or benign to our knowledge

NM_001008537.3(NEXMIF):c.2257C>G (p.Gln753Glu)

Gene: NEXMIF (neurite extension and migration factor; minus strand). Cytogenetic location: Xq13.3.
Variant type: single nucleotide variant.
Coding change: c.2257C>G on transcript NM_001008537.3 (MANE Select); coding-DNA position 2257, C replaced by G.
Protein change: p.Gln753Glu; replaces glutamine 753 with glutamic acid.
Molecular consequence: missense variant.
Genome position (GRCh38, 1-based): chrX:74,742,300, G>C on the plus strand (C>G on the coding strand, the complement: NEXMIF is on the minus strand). VCF-style: chrX-74742300-G-C. GRCh37 (hg19) VCF-style: chrX-73962135-G-C.
Other names: short protein forms Q753E.
Identifiers: ClinVar variation 1706191 (VCV001706191.5), dbSNP rs760516537, ClinGen allele CA331301760.